The following is an entry in ClinVar:

ClinVar aggregate classification (germline): Uncertain significance (1 of 4 stars; one submission).

Conditions:
Isovaleryl-CoA dehydrogenase deficiency (IVA). Also called: IVD DEFICIENCY; ISOVALERIC ACID CoA DEHYDROGENASE DEFICIENCY; Classic Isovaleric Acidemia; Isovaleric acidemia. Identifiers: Orphanet 33, MedGen C0268575, MONDO:0009475, OMIM 243500.

Submission:

Labcorp Genetics (formerly Invitae), Labcorp
Classification: Uncertain significance for Isovaleryl-CoA dehydrogenase deficiency. Last evaluated: 2024-01-31. Review status: criteria provided, single submitter. Criteria: Invitae Variant Classification Sherloc (09022015). Collection method: clinical testing. Allele origin: germline.
Comment: This sequence change falls in intron 1 of the IVD gene. It does not directly change the encoded amino acid sequence of the IVD protein. It affects a nucleotide within the consensus splice site. This variant is not present in population databases (gnomAD no frequency). This variant has not been reported in the literature in individuals affected with IVD-related conditions. Variants that disrupt the consensus splice site are a relatively common cause of aberrant splicing (PMID: 17576681, 9536098). Algorithms developed to predict the effect of sequence changes on RNA splicing suggest that this variant may disrupt the consensus splice site. In summary, the available evidence is currently insufficient to determine the role of this variant in disease. Therefore, it has been classified as a Variant of Uncertain Significance.

Literature cited by the submitters: PubMed 17576681; PubMed 9536098.

NM_002225.5(IVD):c.144+4A>G

Gene: IVD (isovaleryl-CoA dehydrogenase; plus strand). Cytogenetic location: 15q15.1.
Variant type: single nucleotide variant.
Coding change: c.144+4A>G on transcript NM_002225.5 (MANE Select); 4 bases into the intron after coding-DNA position 144, A replaced by G.
Molecular consequence: intron variant. On other transcripts: 5 prime UTR variant (1), non-coding transcript variant (1).
Genome position (GRCh38, 1-based): chr15:40,405,975, A>G. VCF-style: chr15-40405975-A-G. GRCh37 (hg19) VCF-style: chr15-40698176-A-G.
Other names: c.-280A>G (NM_001354597.3); c.144+4A>G (NM_001354600.3, NM_001354598.3, NM_001354601.3 and 2 more transcripts).
Identifiers: ClinVar variation 3637916 (VCV003637916.2).